The following is an entry in ClinVar:

ClinVar aggregate classification (germline): Uncertain significance. Review status: criteria provided, multiple submitters, no conflicts (2 of 4 stars). 3 submissions from 3 submitters: Uncertain significance (3). Last evaluated 2026-01-05.

Conditions:
Hereditary cancer-predisposing syndrome. Also called: Hereditary neoplastic syndrome; Neoplastic Syndromes, Hereditary; Hereditary Cancer Syndrome; Tumor predisposition. Identifiers: Orphanet 140162, MedGen C0027672, MeSH D009386, MONDO:0015356.
Multiple endocrine neoplasia, type 2 (MEN2). Identifiers: Orphanet 653, MedGen C4048306, MONDO:0019003. Disease mechanism: gain of function.

Allele frequency attached by ClinVar (database versions not stated): gnomAD exomes below 0.00001; ExAC 0.00001.

Submissions (3):

Labcorp Genetics (formerly Invitae), Labcorp
Classification: Uncertain significance for Multiple endocrine neoplasia, type 2. Last evaluated: 2026-01-05. Review status: criteria provided, single submitter. Criteria: Invitae Variant Classification Sherloc (09022015). Collection method: clinical testing. Allele origin: germline.
Comment: This sequence change replaces methionine, which is neutral and non-polar, with isoleucine, which is neutral and non-polar, at codon 1100 of the RET protein (p.Met1100Ile). This variant is present in population databases (rs747917164, gnomAD 0.006%). This variant has not been reported in the literature in individuals affected with RET-related conditions. ClinVar contains an entry for this variant (Variation ID: 967314). An algorithm developed to predict the effect of missense changes on protein structure and function (PolyPhen-2) suggests that this variant is likely to be disruptive. In summary, the available evidence is currently insufficient to determine the role of this variant in disease. Therefore, it has been classified as a Variant of Uncertain Significance.

Color Diagnostics, LLC DBA Color Health
Classification: Uncertain significance for Multiple endocrine neoplasia, type 2. Last evaluated: 2025-07-20. Review status: criteria provided, single submitter. Criteria: ACMG Guidelines, 2015. Collection method: clinical testing. Allele origin: germline.
Comment: This missense variant replaces methionine with isoleucine at codon 1100 of the RET protein. Computational prediction is inconclusive regarding the impact of this variant on protein structure and function. To our knowledge, functional studies have not been reported for this variant. This variant has not been reported in individuals affected with RET-related disorders in the literature. This variant has been identified in 1/251496 chromosomes in the general population by the Genome Aggregation Database (gnomAD). The available evidence is insufficient to determine the role of this variant in disease conclusively. Therefore, this variant is classified as a Variant of Uncertain Significance.

Ambry Genetics
Classification: Uncertain significance for Hereditary cancer-predisposing syndrome. Last evaluated: 2023-06-01. Review status: criteria provided, single submitter. Criteria: Ambry Variant Classification Scheme 2023. Collection method: clinical testing. Allele origin: germline.
Comment: The p.M1100I variant (also known as c.3300G>C), located in coding exon 20 of the RET gene, results from a G to C substitution at nucleotide position 3300. The methionine at codon 1100 is replaced by isoleucine, an amino acid with highly similar properties. This amino acid position is conserved. In addition, the in silico prediction for this alteration is inconclusive. Since supporting evidence is limited at this time, the clinical significance of this alteration remains unclear.

NM_020975.6(RET):c.3300G>C (p.Met1100Ile)

Gene: RET (ret proto-oncogene; plus strand). Cytogenetic location: 10q11.21.
Variant type: single nucleotide variant.
Coding change: c.3300G>C on transcript NM_020975.6 (MANE Select); coding-DNA position 3300, G replaced by C.
Protein change: p.Met1100Ile; replaces methionine 1100 with isoleucine.
Molecular consequence: missense variant.
Genome position (GRCh38, 1-based): chr10:43,128,224, G>C. VCF-style: chr10-43128224-G-C. GRCh37 (hg19) VCF-style: chr10-43623672-G-C.
Other names: short protein forms M1100I.
Identifiers: ClinVar variation 967314 (VCV000967314.11), dbSNP rs747917164, ClinGen allele CA055027.
Genomic context (GRCh38, chr10:43,128,224, plus strand): 5'-TGATGGCACTAACACTGGGTTTCCAAGATATCCAAATGATAGTGTATATGCTAACTGGAT[G>C]CTTTCACCCTCAGCGGCAAAATTAATGGACACGTTTGATAGTTAACATTTCTTTGTGAAA-3'
Protein context (NP_066124.1, residues 1090-1110): YPNDSVYANW[Met1100Ile]LSPSAAKLMD